The following is an entry in ClinVar:

ClinVar aggregate classification (germline): Uncertain significance. Review status: criteria provided, multiple submitters, no conflicts (2 of 4 stars). 2 submissions from 2 submitters: Uncertain significance (2). Last evaluated 2026-04-26.

Conditions:
Familial cancer of breast. Also called: BREAST CANCER, FAMILIAL; Hereditary breast cancer; hereditary breast carcinoma. Identifiers: Orphanet 227535, MedGen C0346153, MONDO:0016419, OMIM 114480. Disease mechanism: loss of function.
Hereditary cancer-predisposing syndrome. Also called: Neoplastic Syndromes, Hereditary; Tumor predisposition; Hereditary Cancer Syndrome; Hereditary neoplastic syndrome. Identifiers: Orphanet 140162, MedGen C0027672, MeSH D009386, MONDO:0015356.

Submissions (2):

Ambry Genetics
Classification: Uncertain significance for Hereditary cancer-predisposing syndrome. Last evaluated: 2026-04-26. Review status: criteria provided, single submitter. Criteria: Ambry Variant Classification Scheme 2023. Collection method: clinical testing. Allele origin: germline.
Comment: The p.S500P variant (also known as c.1498T>C), located in coding exon 13 of the CHEK2 gene, results from a T to C substitution at nucleotide position 1498. The serine at codon 500 is replaced by proline, an amino acid with similar properties. This amino acid position is conserved. In addition, this alteration is predicted to be tolerated by in silico analysis. Based on the available evidence, the clinical significance of this variant remains unclear.

Labcorp Genetics (formerly Invitae), Labcorp
Classification: Uncertain significance for Familial cancer of breast. Last evaluated: 2025-11-09. Review status: criteria provided, single submitter. Criteria: Invitae Variant Classification Sherloc (09022015). Collection method: clinical testing. Allele origin: germline.
Comment: This sequence change replaces serine, which is neutral and polar, with proline, which is neutral and non-polar, at codon 500 of the CHEK2 protein (p.Ser500Pro). This variant is not present in population databases (gnomAD no frequency). This variant has not been reported in the literature in individuals affected with CHEK2-related conditions. An algorithm developed to predict the effect of missense changes on protein structure and function (PolyPhen-2) suggests that this variant is likely to be tolerated. In summary, the available evidence is currently insufficient to determine the role of this variant in disease. Therefore, it has been classified as a Variant of Uncertain Significance.

NM_007194.4(CHEK2):c.1498T>C (p.Ser500Pro)

Gene: CHEK2 (checkpoint kinase 2; minus strand). Cytogenetic location: 22q12.1.
Variant type: single nucleotide variant.
Coding change: c.1498T>C on transcript NM_007194.4 (MANE Select); coding-DNA position 1498, T replaced by C.
Protein change: p.Ser500Pro; replaces serine 500 with proline.
Molecular consequence: missense variant.
Genome position (GRCh38, 1-based): chr22:28,689,179, A>G on the plus strand (T>C on the coding strand, the complement: CHEK2 is on the minus strand). VCF-style: chr22-28689179-A-G. GRCh37 (hg19) VCF-style: chr22-29085167-A-G.
Other names: c.1627T>C, p.Ser543Pro (NM_001005735.3); c.835T>C, p.Ser279Pro (NM_001257387.3, NM_001437942.1); c.1297T>C, p.Ser433Pro (NM_001349956.3); c.1591T>C, p.Ser531Pro (NM_001438293.1); c.1540T>C, p.Ser514Pro (NM_001438294.1); c.1504T>C, p.Ser502Pro (NM_001438295.1); c.1411T>C, p.Ser471Pro (NM_145862.3); c.1498T>C (NM_007194.3); short protein forms S500P, S514P, S543P, S279P, S433P, S502P, S471P, S531P.
Identifiers: ClinVar variation 4721015 (VCV004721015.2).